The following is an entry in ClinVar:

NM_000540.3(RYR1):c.11690-2A>C

Gene: RYR1 (ryanodine receptor 1; plus strand). Cytogenetic location: 19q13.2.
Variant type: single nucleotide variant.
Coding change: c.11690-2A>C on transcript NM_000540.3 (MANE Select); the canonical splice acceptor site of the intron before coding-DNA position 11690, A replaced by C.
Molecular consequence: splice acceptor variant.
Genome position (GRCh38, 1-based): chr19:38,543,345, A>C. VCF-style: chr19-38543345-A-C. GRCh37 (hg19) VCF-style: chr19-39033985-A-C.
Other names: c.11675-2A>C (NM_001042723.2).
Identifiers: ClinVar variation 1509798 (VCV001509798.8), dbSNP rs2145774562, ClinGen allele CA405661040.
Genomic context (GRCh38, chr19:38,543,345, plus strand): 5'-CCCACTGTTCATCTCCCCTAGCACATGGGAGGTGCTGGATAAATGACTTTTCATCTCCCC[A>C]GATTTCCAGAACTACCTACGGACACAGACAGGGAACACGACCACTATTAACATCATCATT-3'

ClinVar aggregate classification (germline): Likely pathogenic (1 of 4 stars; one submission).

Conditions:
RYR1-related disorder. Also called: RYR1-related condition; RYR1-related disorders. Identifiers: MedGen CN239331.

Submission:

Labcorp Genetics (formerly Invitae), Labcorp
Classification: Likely pathogenic for RYR1-related disorder. Last evaluated: 2022-07-06. Review status: criteria provided, single submitter. Criteria: Invitae Variant Classification Sherloc (09022015). Collection method: clinical testing. Allele origin: germline.
Comment: In summary, the currently available evidence indicates that the variant is pathogenic, but additional data are needed to prove that conclusively. Therefore, this variant has been classified as Likely Pathogenic. Algorithms developed to predict the effect of sequence changes on RNA splicing suggest that this variant may disrupt the consensus splice site. ClinVar contains an entry for this variant (Variation ID: 1509798). This variant has not been reported in the literature in individuals affected with RYR1-related conditions. This variant is not present in population databases (gnomAD no frequency). This sequence change affects an acceptor splice site in intron 84 of the RYR1 gene. It is expected to disrupt RNA splicing. Variants that disrupt the donor or acceptor splice site typically lead to a loss of protein function (PMID: 16199547), and loss-of-function variants in RYR1 are known to be pathogenic (PMID: 20583297, 20839240, 23919265, 28818389).

Literature cited by the submitters: PubMed 16199547; PubMed 20583297; PubMed 20839240; PubMed 23919265; PubMed 28818389.